The following is an entry in ClinVar:

ClinVar aggregate classification (germline): Likely pathogenic (1 of 4 stars; one submission).

Conditions:
Brachyolmia-amelogenesis imperfecta syndrome. Also called: Tooth agenesis, selective, 6; Dental anomalies and short stature; PLATYSPONDYLY WITH AMELOGENESIS IMPERFECTA. Identifiers: Orphanet 2899, MedGen C1832594, MONDO:0011018, OMIM 601216. Disease mechanism: loss of function.

gnomAD v4.1: 2 of 1,613,682 alleles (0.00012%); highest among the groups gnomAD compares: Non-Finnish European, 0.00017%; no homozygotes.

Submission:

Labcorp Genetics (formerly Invitae), Labcorp
Classification: Likely pathogenic for Brachyolmia-amelogenesis imperfecta syndrome. Last evaluated: 2024-11-13. Review status: criteria provided, single submitter. Criteria: Invitae Variant Classification Sherloc (09022015). Collection method: clinical testing. Allele origin: germline.
Comment: This sequence change affects an acceptor splice site in intron 13 of the LTBP3 gene. It is expected to disrupt RNA splicing. Variants that disrupt the donor or acceptor splice site typically lead to a loss of protein function (PMID: 16199547), and loss-of-function variants in LTBP3 are known to be pathogenic (PMID: 11790802, 19344874, 25669657). This variant is present in population databases (no rsID available, gnomAD 0.0009%). This variant has not been reported in the literature in individuals affected with LTBP3-related conditions. Algorithms developed to predict the effect of sequence changes on RNA splicing suggest that this variant may disrupt the consensus splice site. In summary, the currently available evidence indicates that the variant is pathogenic, but additional data are needed to prove that conclusively. Therefore, this variant has been classified as Likely Pathogenic.

Literature cited by the submitters: PubMed 16199547; PubMed 11790802; PubMed 19344874; PubMed 25669657.

NM_001130144.3(LTBP3):c.1979-2A>G

Gene: LTBP3 (latent transforming growth factor beta binding protein 3; minus strand). Cytogenetic location: 11q13.1.
Variant type: single nucleotide variant.
Coding change: c.1979-2A>G on transcript NM_001130144.3 (MANE Select); the canonical splice acceptor site of the intron before coding-DNA position 1979, A replaced by G.
Molecular consequence: splice acceptor variant.
Genome position (GRCh38, 1-based): chr11:65,547,569, T>C on the plus strand (A>G on the coding strand, the complement: LTBP3 is on the minus strand). VCF-style: chr11-65547569-T-C. GRCh37 (hg19) VCF-style: chr11-65315040-T-C.
Other names: c.1628-2A>G (NM_001164266.1); c.1979-2A>G (NM_021070.4).
Identifiers: ClinVar variation 3657988 (VCV003657988.2).